The following is an entry in ClinVar:

NM_178857.6(RP1L1):c.2959C>T (p.Leu987=)

Gene: RP1L1 (RP1 like 1). Cytogenetic location: 8p23.1.
Variant type: single nucleotide variant.
Coding change: c.2959C>T on transcript NM_178857.6 (MANE Select); coding-DNA position 2959, C replaced by T.
Protein change: p.Leu987=; no amino-acid change (leucine 987 retained).
Molecular consequence: synonymous variant.
Genome position (GRCh38, 1-based): chr8:10,611,139, G>A on the plus strand (C>T on the coding strand, the complement: RP1L1 is on the minus strand). VCF-style: chr8-10611139-G-A. GRCh37 (hg19) VCF-style: chr8-10468649-G-A.
Identifiers: ClinVar variation 3354448 (VCV003354448.1).

ClinVar aggregate classification (germline): Likely benign (0 of 4 stars; one submission).

Conditions:
RP1L1-related disorder. Also called: RP1L1-related condition.

gnomAD v4.1: 6 of 1,612,928 alleles (0.00037%); highest among the groups gnomAD compares: Admixed American, 0.01%; no homozygotes.

Submission:

PreventionGenetics, part of Exact Sciences
Classification: Likely benign for RP1L1-related condition. Last evaluated: 2019-12-05. Review status: no assertion criteria provided. Collection method: clinical testing. Allele origin: germline.
Comment: This variant is classified as likely benign based on ACMG/AMP sequence variant interpretation guidelines (Richards et al. 2015 PMID: 25741868, with internal and published modifications).